The following is an entry in ClinVar:

NM_015117.3(ZC3H3):c.2405G>A (p.Arg802His)

Gene: ZC3H3 (zinc finger CCCH-type containing 3; minus strand). Cytogenetic location: 8q24.3.
Variant type: single nucleotide variant.
Coding change: c.2405G>A on transcript NM_015117.3 (MANE Select); coding-DNA position 2405, G replaced by A.
Protein change: p.Arg802His; replaces arginine 802 with histidine.
Molecular consequence: missense variant.
Genome position (GRCh38, 1-based): chr8:143,441,023, C>T on the plus strand (G>A on the coding strand, the complement: ZC3H3 is on the minus strand). VCF-style: chr8-143441023-C-T. GRCh37 (hg19) VCF-style: chr8-144523193-C-T.
Other names: short protein forms R802H.
Identifiers: ClinVar variation 2658897 (VCV002658897.24), dbSNP rs376452593, ClinGen allele CA4910181.
Genomic context (GRCh38, chr8:143,441,023, plus strand): 5'-CTCCTGGCGGTTGCGTCGCTGGGCCCTGGGGCGGGGGACGTGGCTGCCCGCCGACTGTGG[C>T]GTTTCTGGGTACGGTGGAGCAGCTGGCACTGGGCGCCGCGGGGACACGCCCCCCTGCGGG-3'
Protein context (NP_055932.2, residues 792-812): QCQLLHRTQK[Arg802His]HSRRAATSPA

ClinVar aggregate classification (germline): Likely benign (1 of 4 stars; one submission).

Allele frequency attached by ClinVar (database versions not stated): ESP Exome Variant Server 0.00008; gnomAD 0.00021; TOPMed 0.00031; gnomAD exomes 0.00036; ExAC 0.00051.
gnomAD v4.1: 520 of 1,479,796 alleles (0.035%); highest among the groups gnomAD compares: Middle Eastern, 0.6%; 1 homozygote.

Submission:

CeGaT Center for Human Genetics Tuebingen
Classification: Likely benign. Last evaluated: 2023-01-01. Review status: criteria provided, single submitter. Criteria: CeGaT Center For Human Genetics Tuebingen Variant Classification Criteria Version 2. Collection method: clinical testing. Allele origin: germline. Affected: yes. Observed: 1 variant allele.
Comment: ZC3H3: BP4